The following is an entry in ClinVar:

NM_001278431.2(C1QTNF5):c.298G>A (p.Val100Met)

Genes: C1QTNF5 (C1q and TNF related 5; minus strand), MFRP (membrane frizzled-related protein; minus strand). Cytogenetic location: 11q23.3.
Variant type: single nucleotide variant.
Coding change: c.298G>A on transcript NM_001278431.2 (MANE Select); coding-DNA position 298, G replaced by A.
Protein change: p.Val100Met; replaces valine 100 with methionine.
Molecular consequence: missense variant. On other transcripts: 3 prime UTR variant (1).
Genome position (GRCh38, 1-based): chr11:119,339,765, C>T on the plus strand (G>A on the coding strand, the complement: C1QTNF5 is on the minus strand). VCF-style: chr11-119339765-C-T. GRCh37 (hg19) VCF-style: chr11-119210475-C-T.
Other names: c.298G>A, p.Val100Met (NM_015645.5); c.*1194G>A (NM_031433.4); short protein forms V100M.
Identifiers: ClinVar variation 4695257 (VCV004695257.2).

ClinVar aggregate classification (germline): Uncertain significance. Review status: criteria provided, multiple submitters, no conflicts (2 of 4 stars). 2 submissions from 2 submitters: Uncertain significance (2). Last evaluated 2025-02-06.

gnomAD v4.1: 1 of 1,578,642 alleles (0.000063%); highest among the groups gnomAD compares: Non-Finnish European, 0.000085%; no homozygotes.

Submissions (2):

Labcorp Genetics (formerly Invitae), Labcorp
Classification: Uncertain significance. Last evaluated: 2025-02-06. Review status: criteria provided, single submitter. Criteria: Invitae Variant Classification Sherloc (09022015). Collection method: clinical testing. Allele origin: germline.
Comment: This sequence change replaces valine, which is neutral and non-polar, with methionine, which is neutral and non-polar, at codon 100 of the C1QTNF5 protein (p.Val100Met). This variant is not present in population databases (gnomAD no frequency). This variant has not been reported in the literature in individuals affected with C1QTNF5-related conditions. An algorithm developed to predict the effect of missense changes on protein structure and function (PolyPhen-2) suggests that this variant is likely to be disruptive. In summary, the available evidence is currently insufficient to determine the role of this variant in disease. Therefore, it has been classified as a Variant of Uncertain Significance.

Blueprint Genetics
Classification: Uncertain significance. Last evaluated: 2022-06-20. Review status: criteria provided, single submitter. Criteria: ACMG Guidelines, 2015. Collection method: clinical testing. Allele origin: germline.